The following is an entry in ClinVar:

NM_000306.4(POU1F1):c.824G>A (p.Ser275Asn)

Gene: POU1F1 (POU class 1 homeobox 1; minus strand). Cytogenetic location: 3p11.2.
Variant type: single nucleotide variant.
Coding change: c.824G>A on transcript NM_000306.4 (MANE Select); coding-DNA position 824, G replaced by A.
Protein change: p.Ser275Asn; replaces serine 275 with asparagine.
Molecular consequence: missense variant.
Genome position (GRCh38, 1-based): chr3:87,259,946, C>T on the plus strand (G>A on the coding strand, the complement: POU1F1 is on the minus strand). VCF-style: chr3-87259946-C-T. GRCh37 (hg19) VCF-style: chr3-87309096-C-T.
Other names: c.902G>A, p.Ser301Asn (NM_001122757.3); short protein forms S275N, S301N.
Identifiers: ClinVar variation 3368405 (VCV003368405.1).
Genomic context (GRCh38, chr3:87,259,946, plus strand): 5'-GAAAAATCTTATCTGCACTCAAGATGTTCCTTAGAAATAGAAAATAAACTCTGATTCAGA[C>T]TTGTTTTCACCCGTTTTTCTCTCTGCCTCCGGTTGCAAAACCAAACTCTTACTACTTCTT-3'
Protein context (NP_000297.1, residues 265-285): RRQREKRVKT[Ser275Asn]LNQSLFSISK

ClinVar aggregate classification (germline): Uncertain significance (1 of 4 stars; one submission).

gnomAD v4.1: 11 of 1,614,090 alleles (0.00068%); highest among the groups gnomAD compares: East Asian, 0.0022%; no homozygotes.

Submission:

GeneDx
Classification: Uncertain significance. Last evaluated: 2024-01-29. Review status: criteria provided, single submitter. Criteria: GeneDx Variant Classification Process June 2021. Collection method: clinical testing. Allele origin: germline. Affected: yes.
Comment: Not observed at significant frequency in large population cohorts (gnomAD); In silico analysis supports that this missense variant does not alter protein structure/function; Has not been previously published as pathogenic or benign to our knowledge